The following is an entry in ClinVar:

NM_018249.6(CDK5RAP2):c.4945C>T (p.Leu1649Phe)

Gene: CDK5RAP2 (CDK5 regulatory subunit associated protein 2; minus strand). Cytogenetic location: 9q33.2.
Variant type: single nucleotide variant.
Coding change: c.4945C>T on transcript NM_018249.6 (MANE Select); coding-DNA position 4945, C replaced by T.
Protein change: p.Leu1649Phe; replaces leucine 1649 with phenylalanine.
Molecular consequence: missense variant. On other transcripts: non-coding transcript variant (5), intron variant (1).
Genome position (GRCh38, 1-based): chr9:120,407,030, G>A on the plus strand (C>T on the coding strand, the complement: CDK5RAP2 is on the minus strand). VCF-style: chr9-120407030-G-A. GRCh37 (hg19) VCF-style: chr9-123169308-G-A.
Other names: c.4255C>T, p.Leu1419Phe (NM_001272039.2); c.4846C>T, p.Leu1616Phe (NM_001410992.1); c.4849C>T, p.Leu1617Phe (NM_001410993.1); c.4942C>T, p.Leu1648Phe (NM_001410994.1); c.4726+1317C>T (NM_001011649.3); c.4945C>T (NM_018249.4); short protein forms L1617F, L1649F, L1648F, L1419F, L1616F.
Identifiers: ClinVar variation 2200002 (VCV002200002.4), dbSNP rs200829663, ClinGen allele CA5213421.

ClinVar aggregate classification (germline): Uncertain significance. Review status: criteria provided, multiple submitters, no conflicts (2 of 4 stars). 2 submissions from 2 submitters: Uncertain significance (2). Last evaluated 2025-02-12.

Conditions:
Inborn genetic diseases. Identifiers: MedGen C0950123, MeSH D030342.

Allele frequency attached by ClinVar (database versions not stated): gnomAD exomes 0.00003; gnomAD 0.00005; ExAC 0.00007; ESP Exome Variant Server 0.00008; TOPMed 0.00013.
gnomAD v4.1: 52 of 1,613,808 alleles (0.0032%); highest among the groups gnomAD compares: Admixed American, 0.05%; no homozygotes.

Submissions (2):

Ambry Genetics
Classification: Uncertain significance for Inborn genetic diseases. Last evaluated: 2025-02-12. Review status: criteria provided, single submitter. Criteria: Ambry Variant Classification Scheme 2023. Collection method: clinical testing. Allele origin: germline.

Labcorp Genetics (formerly Invitae), Labcorp
Classification: Uncertain significance. Last evaluated: 2022-04-18. Review status: criteria provided, single submitter. Criteria: Invitae Variant Classification Sherloc (09022015). Collection method: clinical testing. Allele origin: germline.
Comment: Algorithms developed to predict the effect of missense changes on protein structure and function are either unavailable or do not agree on the potential impact of this missense change (SIFT: "Deleterious"; PolyPhen-2: "Possibly Damaging"; Align-GVGD: "Class C0"). In summary, the available evidence is currently insufficient to determine the role of this variant in disease. Therefore, it has been classified as a Variant of Uncertain Significance. This variant has not been reported in the literature in individuals affected with CDK5RAP2-related conditions. This variant is present in population databases (rs200829663, gnomAD 0.05%). This sequence change replaces leucine, which is neutral and non-polar, with phenylalanine, which is neutral and non-polar, at codon 1649 of the CDK5RAP2 protein (p.Leu1649Phe).